The following is an entry in ClinVar:

ClinVar aggregate classification (germline): Likely pathogenic (1 of 4 stars; one submission).

Conditions:
Plasma factor XI deficiency.

Submission:

Natera, Inc.
Classification: Likely pathogenic for Plasma factor XI deficiency. Last evaluated: 2025-06-24. Review status: criteria provided, single submitter. Criteria: Natera Variant Classification Schema (03/2026). Collection method: clinical testing. Allele origin: germline.
Comment: The c.1169G>C variant in F11 is a missense variant predicted to cause substitution of glycine to alanine at amino acid 390. This variant is rare in the general population with a frequency below the threshold expected for the associated phenotype(s). This variant has been observed in one or more individuals affected with the associated recessive disease, as either homozygous or compound heterozygous with a second variant (PMID: 18758779). This variant has been identified in one or more affected individual with a phenotype highly consistent with the associated gene (PMID: 18758779). Computational prediction algorithms indicate this variant is likely to affect gene or protein function. Given the available evidence, this variant is classified as Likely Pathogenic.

Literature cited by the submitters: PubMed 18758779.

NM_000128.4(F11):c.1169G>C (p.Gly390Ala)

Gene: F11 (coagulation factor XI; plus strand). Cytogenetic location: 4q35.2.
Variant type: single nucleotide variant.
Coding change: c.1169G>C on transcript NM_000128.4 (MANE Select); coding-DNA position 1169, G replaced by C.
Protein change: p.Gly390Ala; replaces glycine 390 with alanine.
Molecular consequence: missense variant.
Genome position (GRCh38, 1-based): chr4:186,284,125, G>C. VCF-style: chr4-186284125-G-C. GRCh37 (hg19) VCF-style: chr4-187205279-G-C.
Other names: c.1121G>C, p.Gly374Ala (NM_001440590.1, NM_001440596.1); c.1169G>C, p.Gly390Ala (NM_001440593.1); c.899G>C, p.Gly300Ala (NM_001440605.1, NM_001440607.1); c.851G>C, p.Gly284Ala (NM_001440606.1, NM_001440608.1); short protein forms G284A, G300A, G374A, G390A.
Identifiers: ClinVar variation 4817482 (VCV004817482.1).